The following is an entry in ClinVar:

NM_003579.4(RAD54L):c.1326G>A (p.Met442Ile)

Gene: RAD54L (RAD54 like; plus strand). Cytogenetic location: 1p34.1.
Variant type: single nucleotide variant.
Coding change: c.1326G>A on transcript NM_003579.4 (MANE Select); coding-DNA position 1326, G replaced by A.
Protein change: p.Met442Ile; replaces methionine 442 with isoleucine.
Molecular consequence: missense variant.
Genome position (GRCh38, 1-based): chr1:46,272,753, G>A. VCF-style: chr1-46272753-G-A. GRCh37 (hg19) VCF-style: chr1-46738425-G-A.
Other names: c.1326G>A, p.Met442Ile (NM_001142548.2); c.786G>A, p.Met262Ile (NM_001370766.1); short protein forms M262I, M442I.
Identifiers: ClinVar variation 1770014 (VCV001770014.3), dbSNP rs2525708232, ClinGen allele CA340179634.

ClinVar aggregate classification (germline): Uncertain significance (1 of 4 stars; one submission).

Allele frequency attached by ClinVar (database versions not stated): gnomAD exomes below 0.00001.
gnomAD v4.1: 1 of 1,614,192 alleles (0.000062%); highest among the groups gnomAD compares: Non-Finnish European, 0.000085%; no homozygotes.

Submission:

Ambry Genetics
Classification: Uncertain significance. Last evaluated: 2024-04-22. Review status: criteria provided, single submitter. Criteria: Ambry Variant Classification Scheme 2023. Collection method: clinical testing. Allele origin: germline.
Comment: The p.M442I variant (also known as c.1326G>A), located in coding exon 12 of the RAD54L gene, results from a G to A substitution at nucleotide position 1326. The methionine at codon 442 is replaced by isoleucine, an amino acid with highly similar properties. This amino acid position is conserved. In addition, this alteration is predicted to be tolerated by in silico analysis. Since supporting evidence is limited at this time, the clinical significance of this alteration remains unclear.